The following is an entry in ClinVar:

NM_022552.5(DNMT3A):c.2206C>T (p.Arg736Cys)

Gene: DNMT3A (DNA methyltransferase 3 alpha; minus strand). Cytogenetic location: 2p23.3.
Variant type: single nucleotide variant.
Coding change: c.2206C>T on transcript NM_022552.5 (MANE Select); coding-DNA position 2206, C replaced by T.
Protein change: p.Arg736Cys; replaces arginine 736 with cysteine.
Molecular consequence: missense variant. On other transcripts: non-coding transcript variant (1).
Genome position (GRCh38, 1-based): chr2:25,240,418, G>A on the plus strand (C>T on the coding strand, the complement: DNMT3A is on the minus strand). VCF-style: chr2-25240418-G-A. GRCh37 (hg19) VCF-style: chr2-25463287-G-A.
Other names: c.1750C>T, p.Arg584Cys (NM_001320893.1); c.1537C>T, p.Arg513Cys (NM_001375819.1); c.1639C>T, p.Arg547Cys (NM_153759.3); c.2206C>T, p.Arg736Cys (NM_175629.2); short protein forms R513C, R547C, R584C, R736C.
Identifiers: ClinVar variation 981259 (VCV000981259.17), dbSNP rs761934754, ClinGen allele CA1555701.

ClinVar aggregate classification (germline): Conflicting classifications of pathogenicity. Review status: criteria provided, conflicting classifications (1 of 4 stars). 5 submissions from 5 submitters: Pathogenic (1); Likely pathogenic (2); Uncertain significance (2). Last evaluated 2026-04-04.

Conditions:
DNMT3A-related disorder. Also called: DNMT3A-related disorders; DNMT3A-related condition.
Tatton-Brown-Rahman overgrowth syndrome. Also called: Tatton-Brown-Rahman syndrome; Tall stature-intellectual disability-facial dysmorphism syndrome. Identifiers: Orphanet 404443, MedGen C4014545, MONDO:0014382, OMIM 615879.
Intellectual disability. Also called: Intellectual developmental disorder; Intellectual functioning disability; intellectual disabilities. Identifiers: MedGen C3714756, MeSH D008607, MONDO:0001071, HP:0001249.

Allele frequency attached by ClinVar (database versions not stated): gnomAD exomes 0.00002; ExAC 0.00004.
gnomAD v4.1: 47 of 1,612,222 alleles (0.0029%); highest among the groups gnomAD compares: South Asian, 0.0044%; no homozygotes.

Submissions (5):

Dasa
Classification: Uncertain significance for Tatton-Brown-Rahman overgrowth syndrome. Last evaluated: 2026-04-04. Review status: criteria provided, single submitter. Criteria: DASA Assertion Criteria. Collection method: clinical testing. Allele origin: germline.
Comment: NM_022552.5(DNMT3A):c.2206C>T (p.Arg736Cys) is a missense variant that results in the substitution of arginine with cysteine. The affected residue or protein region has prior evidence supporting clinical relevance. This variant has been recurrently observed in individuals with DNMT3A-related disorders (PMID: 37736838; PMID: 38960581). Also, this variant is rare in population databases. Computational prediction algorithms are consistent with a deleterious effect. The currently available literature and clinical evidence are not sufficient to establish a definitive association between this variant and the reported condition. Therefore, this variant is classified as a variant of uncertain significance.

PreventionGenetics, part of Exact Sciences
Classification: Likely pathogenic for DNMT3A-related condition. Last evaluated: 2025-09-25. Review status: criteria provided, single submitter. Criteria: ACMG Guidelines, 2015. Collection method: clinical testing. Allele origin: germline.
Comment: The DNMT3A c.2206C>T variant is predicted to result in the amino acid substitution p.Arg736Cys. This variant has been reported as de novo in an individual with macrocephaly and delayed speech and development (Table S1, Schmidt et al. 2024. PubMed ID: 39039281). This variant has also been reported in an individual with Tatton-Brown-Rahman syndrome (Kumps et al. 2023, PubMedID: 37736838); this variant segregated with disease in the similarly affected father and was not present in the unaffected siblings. The DNA blood methylation profile of the affected individual and father was concordant with the methylation signature observed in patients with causative DNMT3A variants (Kumps et al. 2023, PubMedID: 37736838). This variant is reported in 0.0033% of alleles in individuals of South Asian descent in gnomAD. Functional studies reveal that this variant causes reduced protein expression (Huang et al. 2022. PubMed ID: 34429321). Another missense variant affecting the same amino acid position, c.2207G>A, p.(Arg736His), has been reported as de novo in individuals with Tatton-Brown-Rahman syndrome (for example, Tatton-Brown et al. 2018. PubMed ID: 29900417; Jiménez de la Peña et al. 2023. PubMed ID: 37795572; Tenorio et al. 2019. PubMed ID: 31685998). This variant is interpreted as likely pathogenic.

GeneDx
Classification: Pathogenic. Last evaluated: 2024-03-26. Review status: criteria provided, single submitter. Criteria: GeneDx Variant Classification Process June 2021. Collection method: clinical testing. Allele origin: germline. Affected: yes.
Comment: Published functional studies demonstrate protein instability and decreased activity (PMID: 34429321); In silico analysis supports that this missense variant has a deleterious effect on protein structure/function; This variant is associated with the following publications: (PMID: 28533481, 25964253, 32533252, 33101740, 32761230, 32442302, 36528185, 37729414, 36912186, 37736838, 34429321)

Labcorp Genetics (formerly Invitae), Labcorp
Classification: Uncertain significance for Tatton-Brown-Rahman overgrowth syndrome. Last evaluated: 2024-02-01. Review status: criteria provided, single submitter. Criteria: Invitae Variant Classification Sherloc (09022015). Collection method: clinical testing. Allele origin: germline.
Comment: This sequence change replaces arginine, which is basic and polar, with cysteine, which is neutral and slightly polar, at codon 736 of the DNMT3A protein (p.Arg736Cys). The frequency data for this variant in the population databases is considered unreliable, as metrics indicate poor data quality at this position in the gnomAD database. This variant has not been reported in the literature in individuals affected with DNMT3A-related conditions. ClinVar contains an entry for this variant (Variation ID: 981259). Advanced modeling of protein sequence and biophysical properties (such as structural, functional, and spatial information, amino acid conservation, physicochemical variation, residue mobility, and thermodynamic stability) performed at Invitae indicates that this missense variant is not expected to disrupt DNMT3A protein function with a negative predictive value of 80%. In summary, the available evidence is currently insufficient to determine the role of this variant in disease. Therefore, it has been classified as a Variant of Uncertain Significance.

Diagnostic Laboratory, Strasbourg University Hospital
Classification: Likely pathogenic for Intellectual disability. Last evaluated: 2020-09-10. Review status: criteria provided, single submitter. Criteria: ACMG Guidelines, 2015. Collection method: clinical testing. Allele origin: de novo. Affected: yes. Observed: 1 heterozygote.

Literature cited by the submitters: PubMed 37736838 (cited by Dasa); PubMed 38960581 (cited by Dasa).